The following is an entry in ClinVar:

NM_001848.3(COL6A1):c.189G>T (p.Lys63Asn)

Gene: COL6A1 (collagen type VI alpha 1 chain; plus strand). Cytogenetic location: 21q22.3.
Variant type: single nucleotide variant.
Coding change: c.189G>T on transcript NM_001848.3 (MANE Select); coding-DNA position 189, G replaced by T.
Protein change: p.Lys63Asn; replaces lysine 63 with asparagine.
Molecular consequence: missense variant.
Genome position (GRCh38, 1-based): chr21:45,982,725, G>T. VCF-style: chr21-45982725-G-T. GRCh37 (hg19) VCF-style: chr21-47402639-G-T.
Other names: short protein forms K63N.
Identifiers: ClinVar variation 3781070 (VCV003781070.1).

ClinVar aggregate classification (germline): Uncertain significance (1 of 4 stars; one submission).

Submission:

GeneDx
Classification: Uncertain significance. Last evaluated: 2024-10-14. Review status: criteria provided, single submitter. Criteria: GeneDx Variant Classification Process June 2021. Collection method: clinical testing. Allele origin: germline. Affected: yes.
Comment: Not observed at significant frequency in large population cohorts (gnomAD); In silico analysis supports that this missense variant has a deleterious effect on protein structure/function; Has not been previously published as pathogenic or benign to our knowledge